The following is an entry in ClinVar:

ClinVar aggregate classification (germline): Uncertain significance (1 of 4 stars; one submission).

Conditions:
TP53BP1-related disorder. Also called: TP53BP1-related condition.

Submission:

PreventionGenetics, part of Exact Sciences
Classification: Uncertain significance for TP53BP1-related condition. Last evaluated: 2025-11-21. Review status: criteria provided, single submitter. Criteria: ACMG Guidelines, 2015. Collection method: clinical testing. Allele origin: germline.
Comment: The TP53BP1 c.3101C>T variant is predicted to result in the amino acid substitution p.Pro1034Leu. To our knowledge, this variant has not been reported in the literature or in a large population database (gnomAD), indicating this variant is rare. At this time, the clinical significance of this variant is uncertain due to the absence of conclusive functional and genetic evidence.

NM_001141980.3(TP53BP1):c.3101C>T (p.Pro1034Leu)

Gene: TP53BP1 (tumor protein p53 binding protein 1; minus strand). Cytogenetic location: 15q15.3.
Variant type: single nucleotide variant.
Coding change: c.3101C>T on transcript NM_001141980.3 (MANE Select); coding-DNA position 3101, C replaced by T.
Protein change: p.Pro1034Leu; replaces proline 1034 with leucine.
Molecular consequence: missense variant.
Genome position (GRCh38, 1-based): chr15:43,438,414, G>A on the plus strand (C>T on the coding strand, the complement: TP53BP1 is on the minus strand). VCF-style: chr15-43438414-G-A. GRCh37 (hg19) VCF-style: chr15-43730612-G-A.
Other names: c.3101C>T, p.Pro1034Leu (NM_001141979.3, NM_001411050.1); c.221C>T, p.Pro74Leu (NM_001355001.2); c.3086C>T, p.Pro1029Leu (NM_005657.4); short protein forms P1034L, P74L, P1029L.
Identifiers: ClinVar variation 4996014 (VCV004996014.1).